The following is an entry in ClinVar:

ClinVar aggregate classification (germline): Pathogenic (1 of 4 stars; one submission).

Conditions:
Mucopolysaccharidosis, MPS-II (MPS2). Also called: Hunter Syndrome; IDURONATE 2-SULFATASE DEFICIENCY; Mucopolysaccharidosis Type II; Mucopolysaccharidosis type 2; Attenuated MPS (subtype; formerly known as mild MPS II); Severe MPS II. Identifiers: Orphanet 580, Orphanet 79388, MedGen C0026705, MONDO:0010674, OMIM 309900.

Submission:

Laboratory of Diagnosis and Therapy of Lysosomal Disorders, University of Padova
Classification: Pathogenic for Mucopolysaccharidosis, MPS-II. Last evaluated: 2024-06-07. Review status: criteria provided, single submitter. Criteria: ACMG Guidelines, 2015. Collection method: literature only. Allele origin: germline. Affected: yes. Observed: 1 variant allele.
Comment: De novo (PS2_Moderate), Absent from controls (or at low frequency) in gnomAD database (PM2_Moderate), Protein length changes in a nonrepeat region or stop–loss variants (PM4_Moderate), Patient’s phenotype or family history highly specific for the disease (PP4_Strong)

Classification method: ACMG Guidelines [PMID:25741868] with modifications

Literature cited by the submitters: PubMed 36945845.

NM_000202.8(IDS):c.721_727delinsAAGGGGG (p.Leu241_Pro243delinsLysGlyAla)

Genes: IDS (iduronate 2-sulfatase; minus strand), LOC106050102 (IDS recombination region; plus strand). Cytogenetic location: Xq28.
Variant type: Indel.
Coding change: c.721_727delinsAAGGGGG on transcript NM_000202.8 (MANE Select); coding-DNA positions 721 to 727, TTGTATC replaced by AAGGGGG.
Protein change: p.Leu241_Pro243delinsLysGlyAla.
Molecular consequence: missense variant. On other transcripts: non-coding transcript variant (1).
Genome position (GRCh38, 1-based): chrX:149,496,498-149,496,504, GATACAA replaced by CCCCCTT on the plus strand (TTGTATC replaced by AAGGGGG on the coding strand, the reverse complement: IDS is on the minus strand). VCF-style: chrX-149496498-GATACAA-CCCCCTT. GRCh37 (hg19) VCF-style: chrX-148578029-GATACAA-CCCCCTT.
Other names: c.451_457delinsAAGGGGG, p.Leu151_Pro153delinsLysGlyAla (NM_001166550.4); c.721_727delinsAAGGGGG, p.Leu241_Pro243delinsLysGlyAla (NM_006123.5).
Identifiers: ClinVar variation 3255822 (VCV003255822.2).